The following is an entry in ClinVar:

NM_001376.5(DYNC1H1):c.9468+4G>C

Genes: DYNC1H1 (dynein cytoplasmic 1 heavy chain 1; plus strand), LOC126862060 (BRD4-independent group 4 enhancer GRCh37_chr14:102493659-102494858; plus strand). Cytogenetic location: 14q32.31.
Variant type: single nucleotide variant.
Coding change: c.9468+4G>C on transcript NM_001376.5 (MANE Select); 4 bases into the intron after coding-DNA position 9468, G replaced by C.
Molecular consequence: intron variant.
Genome position (GRCh38, 1-based): chr14:102,028,145, G>C. VCF-style: chr14-102028145-G-C. GRCh37 (hg19) VCF-style: chr14-102494482-G-C.
Identifiers: ClinVar variation 3659482 (VCV003659482.2).

ClinVar aggregate classification (germline): Uncertain significance (1 of 4 stars; one submission).

Conditions:
Charcot-Marie-Tooth disease axonal type 2O. Also called: CHARCOT-MARIE-TOOTH NEUROPATHY, AXONAL, TYPE 2O; CHARCOT-MARIE-TOOTH DISEASE, AXONAL, AUTOSOMAL DOMINANT, TYPE 2O; Charcot-Marie-Tooth Neuropathy Type 2O; Charcot-Marie-Tooth disease, axonal, type 20. Identifiers: Orphanet 284232, MedGen C3280220, MONDO:0013644, OMIM 614228.

Submission:

Labcorp Genetics (formerly Invitae), Labcorp
Classification: Uncertain significance for Charcot-Marie-Tooth disease axonal type 2O. Last evaluated: 2024-07-14. Review status: criteria provided, single submitter. Criteria: Invitae Variant Classification Sherloc (09022015). Collection method: clinical testing. Allele origin: germline.
Comment: This sequence change falls in intron 48 of the DYNC1H1 gene. It does not directly change the encoded amino acid sequence of the DYNC1H1 protein. It affects a nucleotide within the consensus splice site. This variant is not present in population databases (gnomAD no frequency). This variant has not been reported in the literature in individuals affected with DYNC1H1-related conditions. Variants that disrupt the consensus splice site are a relatively common cause of aberrant splicing (PMID: 17576681, 9536098). Algorithms developed to predict the effect of sequence changes on RNA splicing suggest that this variant is not likely to affect RNA splicing. In summary, the available evidence is currently insufficient to determine the role of this variant in disease. Therefore, it has been classified as a Variant of Uncertain Significance.

Literature cited by the submitters: PubMed 17576681; PubMed 9536098.